The following is an entry in ClinVar:

NM_001142864.4(PIEZO1):c.2307C>G (p.His769Gln)

Genes: PIEZO1 (piezo type mechanosensitive ion channel component 1 (Er blood group); minus strand), HSALR1 (HSP90AB1 associated lncRNA 1; plus strand). Cytogenetic location: 16q24.3.
Variant type: single nucleotide variant.
Coding change: c.2307C>G on transcript NM_001142864.4 (MANE Select); coding-DNA position 2307, C replaced by G.
Protein change: p.His769Gln; replaces histidine 769 with glutamine.
Molecular consequence: missense variant.
Genome position (GRCh38, 1-based): chr16:88,733,928, G>C on the plus strand (C>G on the coding strand, the complement: PIEZO1 is on the minus strand). VCF-style: chr16-88733928-G-C. GRCh37 (hg19) VCF-style: chr16-88800336-G-C.
Other names: c.2307C>G (NM_001142864.2); c.849C>G, p.His283Gln (NM_014745.1); short protein forms H283Q, H769Q.
Identifiers: ClinVar variation 2168739 (VCV002168739.25), dbSNP rs776396482, ClinGen allele CA8232811.

ClinVar aggregate classification (germline): Conflicting classifications of pathogenicity. Review status: criteria provided, conflicting classifications (1 of 4 stars). 4 submissions from 4 submitters: Uncertain significance (2); Benign (1); Likely benign (1). Last evaluated 2025-08-15.

Conditions:
Inborn genetic diseases. Identifiers: MedGen C0950123, MeSH D030342.

Allele frequency attached by ClinVar (database versions not stated): gnomAD exomes 0.00017; gnomAD 0.00025; TOPMed 0.00025; ExAC 0.00202.
gnomAD v4.1: 294 of 1,531,144 alleles (0.019%); highest among the groups gnomAD compares: Non-Finnish European, 0.0044%; 2 homozygotes.

Submissions (4):

Labcorp Genetics (formerly Invitae), Labcorp
Classification: Benign. Last evaluated: 2025-08-15. Review status: criteria provided, single submitter. Criteria: Invitae Variant Classification Sherloc (09022015). Collection method: clinical testing. Allele origin: germline.

ARUP Laboratories, Molecular Genetics and Genomics, ARUP Laboratories
Classification: Uncertain significance. Last evaluated: 2024-12-12. Review status: criteria provided, single submitter. Criteria: ARUP Molecular Germline Variant Investigation Process 2024. Collection method: clinical testing. Allele origin: germline.
Comment: The PIEZO1 c.2307C>G; p.His769Gln variant (rs776396482), to our knowledge, is not reported in the medical literature but is reported in ClinVar (Variation ID: 2168739). This variant is found in the general population with an overall allele frequency of 0.04% (77/169096 alleles) in the Genome Aggregation Database (v2.1.1). Computational analyses predict that this variant is neutral (REVEL: 0.043). While the high population frequency suggests that this is likely a benign variant, given the lack of clinical and functional data, the significance of this variant is uncertain at this time.

Ambry Genetics
Classification: Uncertain significance for Inborn genetic diseases. Last evaluated: 2024-09-20. Review status: criteria provided, single submitter. Criteria: Ambry Variant Classification Scheme 2023. Collection method: clinical testing. Allele origin: germline.

CeGaT Center for Human Genetics Tuebingen
Classification: Likely benign. Last evaluated: 2024-05-01. Review status: criteria provided, single submitter. Criteria: CeGaT Center For Human Genetics Tuebingen Variant Classification Criteria Version 2. Collection method: clinical testing. Allele origin: germline. Affected: yes. Observed: 1 variant allele.
Comment: PIEZO1: BP4, BS1